The following is an entry in ClinVar:

ClinVar aggregate classification (germline): Benign (1 of 4 stars; one submission).

Allele frequency attached by ClinVar (database versions not stated): 1000 Genomes Project 30x 0.07527; 1000 Genomes Project 0.07788; TOPMed 0.09707; gnomAD 0.10682 and 0.10797.
gnomAD v4.1: 16,423 of 152,292 alleles (11%); highest among the groups gnomAD compares: Middle Eastern, 17%; 1,200 homozygotes.

Submission:

GeneDx
Classification: Benign. Last evaluated: 2018-06-16. Review status: criteria provided, single submitter. Criteria: GeneDx Variant Classification (06012015). Collection method: clinical testing. Allele origin: germline. Affected: yes.
Comment: This variant is considered likely benign or benign based on one or more of the following criteria: it is a conservative change, it occurs at a poorly conserved position in the protein, it is predicted to be benign by multiple in silico algorithms, and/or has population frequency not consistent with disease.

NM_005609.4(PYGM):c.1519-279G>C

Gene: PYGM (glycogen phosphorylase, muscle associated; minus strand). Cytogenetic location: 11q13.1.
Variant type: single nucleotide variant.
Coding change: c.1519-279G>C on transcript NM_005609.4 (MANE Select); 279 bases into the intron before coding-DNA position 1519, G replaced by C.
Molecular consequence: intron variant.
Genome position (GRCh38, 1-based): chr11:64,752,783, C>G on the plus strand (G>C on the coding strand, the complement: PYGM is on the minus strand). VCF-style: chr11-64752783-C-G. GRCh37 (hg19) VCF-style: chr11-64520255-C-G.
Other names: c.1255-279G>C (NM_001164716.1).
Identifiers: ClinVar variation 680727 (VCV000680727.1), dbSNP rs7126110, ClinGen allele CA13419522.
Genomic context (GRCh38, chr11:64,752,783, plus strand): 5'-CCCAGCAGGCCTTCCTGGCTTCCTGGCCTTTTCCTAACGCCAGCATGACCTTGCGCCTTC[C>G]CTACCAGATATCTGCCCCCTTCCAGGCTCACTTCAGATGTGACCCATGGATGACTCCCTC-3'